The following is an entry in ClinVar:

NM_003331.5(TYK2):c.1011+3G>A

Gene: TYK2 (tyrosine kinase 2; minus strand). Cytogenetic location: 19p13.2.
Variant type: single nucleotide variant.
Coding change: c.1011+3G>A on transcript NM_003331.5 (MANE Select); 3 bases into the intron after coding-DNA position 1011, G replaced by A.
Molecular consequence: intron variant.
Genome position (GRCh38, 1-based): chr19:10,365,514, C>T on the plus strand (G>A on the coding strand, the complement: TYK2 is on the minus strand). VCF-style: chr19-10365514-C-T. GRCh37 (hg19) VCF-style: chr19-10476190-C-T.
Other names: c.1011+3G>A (NM_001385199.1, NM_001385201.1, NM_001385206.1 and 7 more transcripts); c.921+3G>A (NM_001385205.1).
Identifiers: ClinVar variation 1432621 (VCV001432621.3), dbSNP rs1373705538, ClinGen allele CA632020330.

ClinVar aggregate classification (germline): Uncertain significance (1 of 4 stars; one submission).

Conditions:
Immunodeficiency 35 (IMD35). Also called: TYK2 DEFICIENCY; Susceptibility to infection due to TYK2 deficiency; HIES WITH ATYPICAL MYCOBACTERIOSIS, AUTOSOMAL RECESSIVE; HYPER-IgE SYNDROME WITH ATYPICAL MYCOBACTERIOSIS, AUTOSOMAL RECESSIVE. Identifiers: Orphanet 331226, MedGen C1969086, MONDO:0012682, OMIM 611521.

Allele frequency attached by ClinVar (database versions not stated): gnomAD exomes below 0.00001 and 0.00001; TOPMed below 0.00001; gnomAD 0.00001.
gnomAD v4.1: 14 of 1,613,748 alleles (0.00087%); highest among the groups gnomAD compares: African/African-American, 0.0027%; no homozygotes.

Submission:

Labcorp Genetics (formerly Invitae), Labcorp
Classification: Uncertain significance for Immunodeficiency 35. Last evaluated: 2022-10-24. Review status: criteria provided, single submitter. Criteria: Invitae Variant Classification Sherloc (09022015). Collection method: clinical testing. Allele origin: germline.
Comment: This sequence change falls in intron 7 of the TYK2 gene. It does not directly change the encoded amino acid sequence of the TYK2 protein. It affects a nucleotide within the consensus splice site. This variant is present in population databases (no rsID available, gnomAD 0.0009%). This variant has not been reported in the literature in individuals affected with TYK2-related conditions. ClinVar contains an entry for this variant (Variation ID: 1432621). Variants that disrupt the consensus splice site are a relatively common cause of aberrant splicing (PMID: 17576681, 9536098). Algorithms developed to predict the effect of sequence changes on RNA splicing suggest that this variant is not likely to affect RNA splicing. In summary, the available evidence is currently insufficient to determine the role of this variant in disease. Therefore, it has been classified as a Variant of Uncertain Significance.

Literature cited by the submitters: PubMed 17576681; PubMed 9536098.